The following is an entry in ClinVar:

NM_003803.4(MYOM1):c.2656A>G (p.Ser886Gly)

Gene: MYOM1 (myomesin 1; minus strand). Cytogenetic location: 18p11.31.
Variant type: single nucleotide variant.
Coding change: c.2656A>G on transcript NM_003803.4 (MANE Select); coding-DNA position 2656, A replaced by G.
Protein change: p.Ser886Gly; replaces serine 886 with glycine.
Molecular consequence: missense variant. On other transcripts: intron variant (1).
Genome position (GRCh38, 1-based): chr18:3,129,370, T>C on the plus strand (A>G on the coding strand, the complement: MYOM1 is on the minus strand). VCF-style: chr18-3129370-T-C. GRCh37 (hg19) VCF-style: chr18-3129368-T-C.
Other names: c.2506+2005A>G (NM_019856.2); short protein forms S886G.
Identifiers: ClinVar variation 227698 (VCV000227698.16), dbSNP rs199900004, ClinGen allele CA8874561.

ClinVar aggregate classification (germline): Likely benign. Review status: criteria provided, multiple submitters, no conflicts (2 of 4 stars). 3 submissions from 3 submitters: Likely benign (3). Last evaluated 2026-01-26.

Conditions:
Hypertrophic cardiomyopathy. Also called: HYPERTROPHIC MYOCARDIOPATHY. Identifiers: Orphanet 217569, MedGen C0007194, MeSH D002312, MONDO:0005045, HP:0001639.

Allele frequency attached by ClinVar (database versions not stated): TOPMed 0.00048; gnomAD 0.00051; ExAC 0.00056; gnomAD exomes 0.00059 and 0.00104; ESP Exome Variant Server 0.00083.
gnomAD v4.1: 1,566 of 1,614,010 alleles (0.097%); highest among the groups gnomAD compares: Non-Finnish European, 0.12%; 1 homozygote.

Submissions (4):

Labcorp Genetics (formerly Invitae), Labcorp
Classification: Likely benign for Hypertrophic cardiomyopathy. Last evaluated: 2026-01-26. Review status: criteria provided, single submitter. Criteria: Invitae Variant Classification Sherloc (09022015). Collection method: clinical testing. Allele origin: germline.

Laboratory for Molecular Medicine, Mass General Brigham Personalized Medicine
Classification: Likely benign. Last evaluated: 2015-05-26. Review status: criteria provided, single submitter. Criteria: LMM Criteria. Collection method: clinical testing. Allele origin: germline. Observed: 2 variant alleles.
Comment: p.Ser886Gly in exon 18 of MYOM1: This variant is not expected to have clinical s ignificance due to a lack of conservation across species, including mammals. Of note, 4 mammals (alpaca, Bactrian camel, cape golden mole and platypus) have a g lycine (Gly) at this position despite high nearby amino acid conservation. It h as been identified in 0.1% (59/66740) of European chromosomes by the Exome Aggre gation Consortium (ExAC; dbSNP rs199900004).

Breakthrough Genomics
Classification: Likely benign. Review status: criteria provided, single submitter. Criteria: ACMG Guidelines, 2015. Collection method: not provided. Allele origin: germline. Inheritance: Unknown mechanism. Affected: yes.

Dr. Peter K. Rogan Lab, Western University
No classification provided (evidence only). Condition: Adrenocortical carcinoma, hereditary. Review status: no classification provided. Collection method: in vitro. Allele origin: not applicable. Functional consequence: retained intron. Not counted in ClinVar's aggregate classification.